The following is an entry in ClinVar:

NM_005228.5(EGFR):c.2062-17_2062-16del

Gene: EGFR (epidermal growth factor receptor; plus strand). Cytogenetic location: 7p11.2.
Variant type: Microsatellite.
Coding change: c.2062-17_2062-16del on transcript NM_005228.5 (MANE Select); 17 bases into the intron before coding-DNA position 2062 through 16 bases into the intron before coding-DNA position 2062, 2 bases deleted (GT; older notation c.2062-17_2062-16delGT).
Molecular consequence: intron variant.
Genome position (GRCh38, 1-based): chr7:55,173,904-55,173,905, GT deleted; deleting any 2 consecutive bases within chr7:55,173,901-55,173,905 gives the same sequence; the c. name uses the placement nearest the transcript's 3' end. VCF-style (leftmost placement, unchanged base first): chr7-55173900-CTG-C. GRCh37 (hg19) VCF-style: chr7-55241593-CTG-C.
Other names: c.1927-17_1927-16del (NM_001346899.2, NM_001346897.2); c.1261-17_1261-16del (NM_001346941.2); c.2062-17_2062-16del (NM_001346898.2); c.1903-17_1903-16del (NM_001346900.2).
Identifiers: ClinVar variation 1651434 (VCV001651434.9), dbSNP rs747148554, ClinGen allele CA4265969.

ClinVar aggregate classification (germline): Likely benign. Review status: criteria provided, multiple submitters, no conflicts (2 of 4 stars). 2 submissions from 2 submitters: Likely benign (2). Last evaluated 2026-01-15.

Conditions:
Lung cancer. Also called: Lung cancer, somatic; Malignant tumor of lung. Identifiers: MedGen C0242379, MONDO:0008903, OMIM 211980.
EGFR-related lung cancer (EGFR). Identifiers: MedGen CN130014.

Submissions (2):

Labcorp Genetics (formerly Invitae), Labcorp
Classification: Likely benign for EGFR-related lung cancer. Last evaluated: 2026-01-15. Review status: criteria provided, single submitter. Criteria: Invitae Variant Classification Sherloc (09022015). Collection method: clinical testing. Allele origin: germline.

Myriad Genetics, Inc.
Classification: Likely benign for Lung cancer. Last evaluated: 2024-10-16. Review status: criteria provided, single submitter. Criteria: Myriad Autosomal Dominant, Autosomal Recessive and X-Linked Classification Criteria (2023). Collection method: clinical testing. Allele origin: unknown.
Comment: This variant is considered likely benign. This variant is intronic and is not expected to impact mRNA splicing.